The following is an entry in ClinVar:

NM_002691.4(POLD1):c.3074_3076dup (p.Val1025_Cys1026insLeu)

Gene: POLD1 (DNA polymerase delta 1, catalytic subunit; plus strand). Cytogenetic location: 19q13.33.
Variant type: Duplication.
Coding change: c.3074_3076dup on transcript NM_002691.4 (MANE Select); coding-DNA positions 3074 to 3076, 3 bases duplicated (TGT; older notation c.3074_3076dupTGT).
Protein change: p.Val1025_Cys1026insLeu.
Molecular consequence: inframe insertion. On other transcripts: non-coding transcript variant (1).
Genome position (GRCh38, 1-based): chr19:50,417,051-50,417,053, TGT duplicated. VCF-style (leftmost placement, unchanged base first): chr19-50417050-G-GTGT. GRCh37 (hg19) VCF-style: chr19-50920307-G-GTGT.
Other names: c.3074_3076dupTGT (NM_001256849.1); c.3074_3076dup, p.Val1025_Cys1026insLeu (NM_001256849.1); c.3152_3154dup, p.Val1051_Cys1052insLeu (NM_001308632.1).
Identifiers: ClinVar variation 548882 (VCV000548882.11), dbSNP rs1555793570, ClinGen allele CA658823823.

ClinVar aggregate classification (germline): Uncertain significance. Review status: criteria provided, single submitter (1 of 4 stars). 2 submissions from 2 submitters: Uncertain significance (1). 1 of the submissions does not count toward it. Last evaluated 2019-07-30.

Conditions:
POLD1-related polyposis and colorectal cancer syndrome (CRCS10). Also called: Colorectal cancer 10; COLORECTAL CANCER, SUSCEPTIBILITY TO, ON CHROMOSOME 19q; Colorectal cancer, susceptibility to, 10. Identifiers: Orphanet 220460, MedGen C2675481, MONDO:0012953, OMIM 612591.

Submissions (2):

Labcorp Genetics (formerly Invitae), Labcorp
Classification: Uncertain significance for POLD1-related polyposis and colorectal cancer syndrome. Last evaluated: 2019-07-30. Review status: criteria provided, single submitter. Criteria: Invitae Variant Classification Sherloc (09022015). Collection method: clinical testing. Allele origin: germline.
Comment: This variant, c.3074_3076dup, results in the insertion of 1 amino acid(s) to the POLD1 protein (p.Val1025_Cys1026insLeu), but otherwise preserves the integrity of the reading frame. This variant is not present in population databases (ExAC no frequency). This variant has not been reported in the literature in individuals with POLD1-related conditions. ClinVar contains an entry for this variant (Variation ID: 548882). Algorithms developed to predict the effect of sequence changes on RNA splicing suggest that this variant may create or strengthen a splice site, but this prediction has not been confirmed by published transcriptional studies. In summary, the available evidence is currently insufficient to determine the role of this variant in disease. Therefore, it has been classified as a Variant of Uncertain Significance.

Counsyl
Classification: Uncertain significance for POLD1-related polyposis and colorectal cancer syndrome. Last evaluated: 2018-04-06. Review status: no assertion criteria provided. Collection method: clinical testing. Allele origin: unknown. Not counted in ClinVar's aggregate classification.